The following is an entry in ClinVar:

ClinVar aggregate classification (germline): Uncertain significance (1 of 4 stars; one submission).

Conditions:
Baller-Gerold syndrome (BGS). Also called: CRANIOSYNOSTOSIS WITH RADIAL DEFECTS. Identifiers: Orphanet 1225, MedGen C0265308, MONDO:0009039, OMIM 218600.

Submission:

Labcorp Genetics (formerly Invitae), Labcorp
Classification: Uncertain significance for Baller-Gerold syndrome. Last evaluated: 2020-06-12. Review status: criteria provided, single submitter. Criteria: Invitae Variant Classification Sherloc (09022015). Collection method: clinical testing. Allele origin: germline.
Comment: In summary, the available evidence is currently insufficient to determine the role of this variant in disease. Therefore, it has been classified as a Variant of Uncertain Significance. Algorithms developed to predict the effect of missense changes on protein structure and function are either unavailable or do not agree on the potential impact of this missense change (SIFT: "Deleterious"; PolyPhen-2: "Not Available"; Align-GVGD: "Class C65"). This variant has not been reported in the literature in individuals with RECQL4-related conditions. This variant is not present in population databases (ExAC no frequency). This sequence change replaces arginine with threonine at codon 830 of the RECQL4 protein (p.Arg830Thr). The arginine residue is highly conserved and there is a moderate physicochemical difference between arginine and threonine.

NM_004260.4(RECQL4):c.2489G>C (p.Arg830Thr)

Gene: RECQL4 (RecQ like helicase 4; minus strand). Cytogenetic location: 8q24.3.
Variant type: single nucleotide variant.
Coding change: c.2489G>C on transcript NM_004260.4 (MANE Select); coding-DNA position 2489, G replaced by C.
Protein change: p.Arg830Thr; replaces arginine 830 with threonine.
Molecular consequence: missense variant.
Genome position (GRCh38, 1-based): chr8:144,513,113, C>G on the plus strand (G>C on the coding strand, the complement: RECQL4 is on the minus strand). VCF-style: chr8-144513113-C-G. GRCh37 (hg19) VCF-style: chr8-145738496-C-G.
Other names: short protein forms R830T.
Identifiers: ClinVar variation 856066 (VCV000856066.5), dbSNP rs747748330, ClinGen allele CA372677482.